The following is an entry in ClinVar:

ClinVar aggregate classification (germline): Likely benign. Review status: criteria provided, multiple submitters, no conflicts (2 of 4 stars). 3 submissions from 3 submitters: Likely benign (3). Last evaluated 2025-12-01.

Allele frequency attached by ClinVar (database versions not stated): gnomAD exomes below 0.00001; TOPMed 0.00001.
gnomAD v4.1: 3 of 1,611,764 alleles (0.00019%); highest among the groups gnomAD compares: Non-Finnish European, 0.00025%; no homozygotes.

Submissions (3):

CeGaT Center for Human Genetics Tuebingen
Classification: Likely benign. Last evaluated: 2025-12-01. Review status: criteria provided, single submitter. Criteria: CeGaT Center For Human Genetics Tuebingen Variant Classification Criteria Version 2. Collection method: clinical testing. Allele origin: germline. Affected: yes. Observed: 2 variant alleles.
Comment: ABRAXAS1: BP4, BP7

Ambry Genetics
Classification: Likely benign. Last evaluated: 2022-05-03. Review status: criteria provided, single submitter. Criteria: Ambry Variant Classification Scheme 2023. Collection method: clinical testing. Allele origin: germline.

Labcorp Genetics (formerly Invitae), Labcorp
Classification: Likely benign. Last evaluated: 2017-12-18. Review status: criteria provided, single submitter. Criteria: Invitae Variant Classification Sherloc (09022015). Collection method: clinical testing. Allele origin: germline.

NM_139076.3(ABRAXAS1):c.111A>G (p.Val37=)

Gene: ABRAXAS1 (abraxas 1, BRCA1 A complex subunit; minus strand). Cytogenetic location: 4q21.23.
Variant type: single nucleotide variant.
Coding change: c.111A>G on transcript NM_139076.3 (MANE Select); coding-DNA position 111, A replaced by G.
Protein change: p.Val37=; no amino-acid change (valine 37 retained).
Molecular consequence: synonymous variant. On other transcripts: 5 prime UTR variant (1).
Genome position (GRCh38, 1-based): chr4:83,482,221, T>C on the plus strand (A>G on the coding strand, the complement: ABRAXAS1 is on the minus strand). VCF-style: chr4-83482221-T-C. GRCh37 (hg19) VCF-style: chr4-84403374-T-C.
Other names: c.-150A>G (NM_001345962.2).
Identifiers: ClinVar variation 782228 (VCV000782228.35), dbSNP rs1308142665, ClinGen allele CA440119837.